The following is an entry in ClinVar:

ClinVar aggregate classification (germline): Uncertain significance (1 of 4 stars; one submission).

Submission:

Women's Health and Genetics/Laboratory Corporation of America, LabCorp
Classification: Uncertain significance. Last evaluated: 2025-07-25. Review status: criteria provided, single submitter. Criteria: LabCorp Variant Classification Summary - May 2015. Collection method: clinical testing. Allele origin: germline.
Comment: Variant summary: The variant involves the deletion of the whole VPS53 gene. A presumed nomenclature of c.(?_-148)_(*10461_?)del has been designated for the purposes of this classification. Current evidence is not sufficient to establish loss of function as a mechanism for disease. The variant was absent in 21694 control chromosomes (gnomAD). The available data on variant occurrences in the general population are insufficient to allow any conclusion about variant significance. To our knowledge, no occurrence of c.(?_-148)_(*10461_?)del in individuals affected with Pontocerebellar Hypoplasia, Type 2E and no experimental evidence demonstrating its impact on protein function have been reported. No submitters have cited clinical-significance assessments for this variant to ClinVar. Based on the evidence outlined above, the variant was classified as uncertain significance.

NC_000017.10:g.(?_411907)_(618097_?)del

Gene: VPS53 (VPS53 subunit of GARP complex; minus strand). Cytogenetic location: 17p13.3.
Variant type: Deletion.
Identifiers: ClinVar variation 1698617 (VCV001698617.2).